The following is an entry in ClinVar:

NM_005343.4(HRAS):c.158T>G (p.Leu53Trp)

Genes: HRAS (HRas proto-oncogene, GTPase; minus strand), LRRC56 (leucine rich repeat containing 56; plus strand). Cytogenetic location: 11p15.5.
Variant type: single nucleotide variant.
Coding change: c.158T>G on transcript NM_005343.4 (MANE Select); coding-DNA position 158, T replaced by G.
Protein change: p.Leu53Trp; replaces leucine 53 with tryptophan.
Molecular consequence: missense variant. On other transcripts: 5 prime UTR variant (1).
Genome position (GRCh38, 1-based): chr11:533,898, A>C on the plus strand (T>G on the coding strand, the complement: HRAS is on the minus strand). VCF-style: chr11-533898-A-C. GRCh37 (hg19) VCF-style: chr11-533898-A-C.
Other names: c.158T>G, p.Leu53Trp (NM_001130442.3, NM_176795.5); c.-162T>G (NM_001318054.2); short protein forms L53W.
Identifiers: ClinVar variation 2767695 (VCV002767695.3), dbSNP rs2133991328, ClinGen allele CA378924721.

ClinVar aggregate classification (germline): Uncertain significance (1 of 4 stars; one submission).

Conditions:
Costello syndrome (CSTLO). Also called: FACIOCUTANEOSKELETAL SYNDROME; FCS SYNDROME; HRAS-Related Costello Syndrome. Identifiers: Orphanet 3071, MedGen C0587248, MONDO:0009026, OMIM 218040.

Submission:

Labcorp Genetics (formerly Invitae), Labcorp
Classification: Uncertain significance for Costello syndrome. Last evaluated: 2023-10-12. Review status: criteria provided, single submitter. Criteria: Invitae Variant Classification Sherloc (09022015). Collection method: clinical testing. Allele origin: germline.
Comment: This sequence change replaces leucine, which is neutral and non-polar, with tryptophan, which is neutral and slightly polar, at codon 53 of the HRAS protein (p.Leu53Trp). This variant is not present in population databases (gnomAD no frequency). This variant has not been reported in the literature in individuals affected with HRAS-related conditions. Advanced modeling of protein sequence and biophysical properties (such as structural, functional, and spatial information, amino acid conservation, physicochemical variation, residue mobility, and thermodynamic stability) performed at Invitae indicates that this missense variant is expected to disrupt HRAS protein function. In summary, the available evidence is currently insufficient to determine the role of this variant in disease. Therefore, it has been classified as a Variant of Uncertain Significance.